The following is an entry in ClinVar:

NM_001943.5(DSG2):c.20G>C (p.Arg7Pro)

Genes: DSG2 (desmoglein 2; plus strand), LOC130062340 (ATAC-STARR-seq lymphoblastoid silent region 9384; plus strand). Cytogenetic location: 18q12.1.
Variant type: single nucleotide variant.
Coding change: c.20G>C on transcript NM_001943.5 (MANE Select); coding-DNA position 20, G replaced by C.
Protein change: p.Arg7Pro; replaces arginine 7 with proline.
Molecular consequence: missense variant.
Genome position (GRCh38, 1-based): chr18:31,498,271, G>C. VCF-style: chr18-31498271-G-C. GRCh37 (hg19) VCF-style: chr18-29078234-G-C.
Other names: short protein forms R7P.
Identifiers: ClinVar variation 2085210 (VCV002085210.7), dbSNP rs773539488, ClinGen allele CA044860.

ClinVar aggregate classification (germline): Uncertain significance. Review status: criteria provided, multiple submitters, no conflicts (2 of 4 stars). 3 submissions from 3 submitters: Uncertain significance (3). Last evaluated 2024-03-06.

Conditions:
Cardiovascular phenotype. Identifiers: MedGen CN230736.
Cardiomyopathy (CMYO). Also called: Cardiomyopathies. Identifiers: Orphanet 167848, MedGen C0878544, MONDO:0004994, HP:0001638. Inheritance: Various modes of inheritance.
Arrhythmogenic right ventricular dysplasia 10. Also called: Arrhythmogenic Right Ventricular Dysplasia/Cardiomyopathy10; Arrhythmogenic right ventricular dysplasia/cardiomyopathy, type 10; ARRHYTHMOGENIC RIGHT VENTRICULAR DYSPLASIA, FAMILIAL, 10. Identifiers: MedGen C1857777, MONDO:0012434, OMIM 610193.

gnomAD v4.1: 1 of 1,263,260 alleles (0.000079%); highest among the groups gnomAD compares: Non-Finnish European, 0.0001%; no homozygotes.

Submissions (3):

Color Diagnostics, LLC DBA Color Health
Classification: Uncertain significance for Cardiomyopathy. Last evaluated: 2024-03-06. Review status: criteria provided, single submitter. Criteria: ACMG Guidelines, 2015. Collection method: clinical testing. Allele origin: germline.
Comment: This missense variant replaces arginine with proline at codon 7 of the DSG2 protein. Computational prediction suggests that this variant may not impact protein structure and function (internally defined REVEL score threshold <= 0.5, PMID: 27666373). To our knowledge, functional studies have not been reported for this variant. This variant has not been reported in individuals affected with cardiovascular disorders in the literature. This variant has not been identified in the general population by the Genome Aggregation Database (gnomAD). The available evidence is insufficient to determine the role of this variant in disease conclusively. Therefore, this variant is classified as a Variant of Uncertain Significance.

Ambry Genetics
Classification: Uncertain significance for Cardiovascular phenotype. Last evaluated: 2023-12-22. Review status: criteria provided, single submitter. Criteria: Ambry Variant Classification Scheme 2023. Collection method: clinical testing. Allele origin: germline.
Comment: The p.R7P variant (also known as c.20G>C), located in coding exon 1 of the DSG2 gene, results from a G to C substitution at nucleotide position 20. The arginine at codon 7 is replaced by proline, an amino acid with dissimilar properties. This amino acid position is conserved. In addition, this alteration is predicted to be tolerated by in silico analysis. Since supporting evidence is limited at this time, the clinical significance of this alteration remains unclear.

Labcorp Genetics (formerly Invitae), Labcorp
Classification: Uncertain significance for Arrhythmogenic right ventricular dysplasia 10. Last evaluated: 2023-12-19. Review status: criteria provided, single submitter. Criteria: Invitae Variant Classification Sherloc (09022015). Collection method: clinical testing. Allele origin: germline.
Comment: This sequence change replaces arginine, which is basic and polar, with proline, which is neutral and non-polar, at codon 7 of the DSG2 protein (p.Arg7Pro). This variant is not present in population databases (gnomAD no frequency). This variant has not been reported in the literature in individuals affected with DSG2-related conditions. ClinVar contains an entry for this variant (Variation ID: 2085210). Advanced modeling of protein sequence and biophysical properties (such as structural, functional, and spatial information, amino acid conservation, physicochemical variation, residue mobility, and thermodynamic stability) performed at Invitae indicates that this missense variant is not expected to disrupt DSG2 protein function with a negative predictive value of 95%. In summary, the available evidence is currently insufficient to determine the role of this variant in disease. Therefore, it has been classified as a Variant of Uncertain Significance.